The following is an entry in ClinVar:

ClinVar aggregate classification (germline): Uncertain significance (1 of 4 stars; one submission).

Allele frequency attached by ClinVar (database versions not stated): gnomAD exomes below 0.00001.
gnomAD v4.1: 1 of 1,610,396 alleles (0.000062%); no homozygotes.

Submission:

Labcorp Genetics (formerly Invitae), Labcorp
Classification: Uncertain significance. Last evaluated: 2022-12-07. Review status: criteria provided, single submitter. Criteria: Invitae Variant Classification Sherloc (09022015). Collection method: clinical testing. Allele origin: germline.
Comment: This sequence change replaces alanine, which is neutral and non-polar, with aspartic acid, which is acidic and polar, at codon 132 of the PYCR1 protein (p.Ala132Asp). In summary, the available evidence is currently insufficient to determine the role of this variant in disease. Therefore, it has been classified as a Variant of Uncertain Significance. Advanced modeling of protein sequence and biophysical properties (such as structural, functional, and spatial information, amino acid conservation, physicochemical variation, residue mobility, and thermodynamic stability) performed at Invitae indicates that this missense variant is expected to disrupt PYCR1 protein function. This variant has not been reported in the literature in individuals affected with PYCR1-related conditions. This variant is not present in population databases (gnomAD no frequency).

NM_006907.4(PYCR1):c.395C>A (p.Ala132Asp)

Gene: PYCR1 (pyrroline-5-carboxylate reductase 1; minus strand). Cytogenetic location: 17q25.3.
Variant type: single nucleotide variant.
Coding change: c.395C>A on transcript NM_006907.4 (MANE Select); coding-DNA position 395, C replaced by A.
Protein change: p.Ala132Asp; replaces alanine 132 with aspartic acid.
Molecular consequence: missense variant.
Genome position (GRCh38, 1-based): chr17:81,935,071, G>T on the plus strand (C>A on the coding strand, the complement: PYCR1 is on the minus strand). VCF-style: chr17-81935071-G-T. GRCh37 (hg19) VCF-style: chr17-79892947-G-T.
Other names: c.395C>A, p.Ala132Asp (NM_001282279.2, NM_001282280.2, NM_001330523.2 and 1 more transcripts); c.476C>A, p.Ala159Asp (NM_001282281.2); short protein forms A132D, A159D.
Identifiers: ClinVar variation 2982564 (VCV002982564.3), dbSNP rs2041139511, ClinGen allele CA401538859.